The following is an entry in ClinVar:

ClinVar aggregate classification (germline): Uncertain significance (1 of 4 stars; one submission).

Submission:

Labcorp Genetics (formerly Invitae), Labcorp
Classification: Uncertain significance. Last evaluated: 2025-09-08. Review status: criteria provided, single submitter. Criteria: Invitae Variant Classification Sherloc (09022015). Collection method: clinical testing. Allele origin: germline.
Comment: This sequence change replaces alanine, which is neutral and non-polar, with glutamic acid, which is acidic and polar, at codon 367 of the CTNNA1 protein (p.Ala367Glu). This variant is not present in population databases (gnomAD no frequency). This variant has not been reported in the literature in individuals affected with CTNNA1-related conditions. ClinVar contains an entry for this variant (Variation ID: 1051548). Invitae Evidence Modeling of protein sequence and biophysical properties (such as structural, functional, and spatial information, amino acid conservation, physicochemical variation, residue mobility, and thermodynamic stability) indicates that this missense variant is not expected to disrupt CTNNA1 protein function with a negative predictive value of 80%. In summary, the available evidence is currently insufficient to determine the role of this variant in disease. Therefore, it has been classified as a Variant of Uncertain Significance.

NM_001903.5(CTNNA1):c.1100C>A (p.Ala367Glu)

Gene: CTNNA1 (catenin alpha 1; plus strand). Cytogenetic location: 5q31.2.
Variant type: single nucleotide variant.
Coding change: c.1100C>A on transcript NM_001903.5 (MANE Select); coding-DNA position 1100, C replaced by A.
Protein change: p.Ala367Glu; replaces alanine 367 with glutamic acid.
Molecular consequence: missense variant. On other transcripts: 5 prime UTR variant (26), intron variant (2).
Genome position (GRCh38, 1-based): chr5:138,886,249, C>A. VCF-style: chr5-138886249-C-A. GRCh37 (hg19) VCF-style: chr5-138221938-C-A.
Other names: c.1100C>A, p.Ala367Glu (NM_001290307.3, NM_001323982.2, NM_001323983.1 and 3 more transcripts); c.791C>A, p.Ala264Glu (NM_001290309.3); c.731C>A, p.Ala244Glu (NM_001290310.3); c.-11C>A (NM_001290312.1, NM_001323987.1, NM_001323988.1 and 18 more transcripts); c.-408C>A (NM_001324006.1, NM_001324007.1, NM_001324008.1 and 1 more transcripts); c.-283C>A (NM_001324013.1); c.-58+10652C>A (NM_001324012.1); c.-61+10652C>A (NM_001324010.1); short protein forms A244E, A264E, A367E.
Identifiers: ClinVar variation 1051548 (VCV001051548.9), dbSNP rs2150024218, ClinGen allele CA361132549.